The following is an entry in ClinVar:

NM_017999.5(RNF31):c.554A>G (p.Asp185Gly)

Gene: RNF31 (ring finger protein 31; plus strand). Cytogenetic location: 14q12.
Variant type: single nucleotide variant.
Coding change: c.554A>G on transcript NM_017999.5 (MANE Select); coding-DNA position 554, A replaced by G.
Protein change: p.Asp185Gly; replaces aspartic acid 185 with glycine.
Molecular consequence: missense variant.
Genome position (GRCh38, 1-based): chr14:24,148,700, A>G. VCF-style: chr14-24148700-A-G. GRCh37 (hg19) VCF-style: chr14-24617909-A-G.
Other names: c.554A>G (NM_017999.4); c.101A>G, p.Asp34Gly (NM_001310332.2); short protein forms D185G, D34G.
Identifiers: ClinVar variation 1373725 (VCV001373725.9), dbSNP rs764994726, ClinGen allele CA7125522.

ClinVar aggregate classification (germline): Uncertain significance. Review status: criteria provided, multiple submitters, no conflicts (2 of 4 stars). 2 submissions from 2 submitters: Uncertain significance (2). Last evaluated 2025-10-25.

Submissions (2):

Ambry Genetics
Classification: Uncertain significance. Last evaluated: 2025-10-25. Review status: criteria provided, single submitter. Criteria: Ambry Variant Classification Scheme 2023. Collection method: clinical testing. Allele origin: germline.

Labcorp Genetics (formerly Invitae), Labcorp
Classification: Uncertain significance. Last evaluated: 2024-11-17. Review status: criteria provided, single submitter. Criteria: Invitae Variant Classification Sherloc (09022015). Collection method: clinical testing. Allele origin: germline.
Comment: This sequence change replaces aspartic acid, which is acidic and polar, with glycine, which is neutral and non-polar, at codon 185 of the RNF31 protein (p.Asp185Gly). This variant is present in population databases (rs764994726, gnomAD 0.05%). This variant has not been reported in the literature in individuals affected with RNF31-related conditions. ClinVar contains an entry for this variant (Variation ID: 1373725). An algorithm developed to predict the effect of missense changes on protein structure and function (PolyPhen-2) suggests that this variant is likely to be tolerated. Algorithms developed to predict the effect of sequence changes on RNA splicing suggest that this variant may disrupt the consensus splice site. In summary, the available evidence is currently insufficient to determine the role of this variant in disease. Therefore, it has been classified as a Variant of Uncertain Significance.